The following is an entry in ClinVar:

ClinVar aggregate classification (germline): Uncertain significance (1 of 4 stars; one submission).

Conditions:
Mitochondrial trifunctional protein deficiency. Identifiers: Orphanet 746, MedGen C1969443, MONDO:0012172.

gnomAD v4.1: 1 of 1,612,712 alleles (0.000062%); highest among the groups gnomAD compares: Admixed American, 0.0017%; no homozygotes.

Submission:

Labcorp Genetics (formerly Invitae), Labcorp
Classification: Uncertain significance for Mitochondrial trifunctional protein deficiency. Last evaluated: 2022-06-08. Review status: criteria provided, single submitter. Criteria: Invitae Variant Classification Sherloc (09022015). Collection method: clinical testing. Allele origin: germline.
Comment: This variant has not been reported in the literature in individuals affected with HADHB-related conditions. In summary, the available evidence is currently insufficient to determine the role of this variant in disease. Therefore, it has been classified as a Variant of Uncertain Significance. Algorithms developed to predict the effect of missense changes on protein structure and function are either unavailable or do not agree on the potential impact of this missense change (SIFT: "Deleterious"; PolyPhen-2: "Benign"; Align-GVGD: "Class C0"). This variant is present in population databases (rs758786432, gnomAD 0.003%). This sequence change replaces alanine, which is neutral and non-polar, with glutamic acid, which is acidic and polar, at codon 322 of the HADHB protein (p.Ala322Glu).

NM_000183.3(HADHB):c.965C>A (p.Ala322Glu)

Gene: HADHB (hydroxyacyl-CoA dehydrogenase trifunctional multienzyme complex subunit beta; plus strand). Cytogenetic location: 2p23.3.
Variant type: single nucleotide variant.
Coding change: c.965C>A on transcript NM_000183.3 (MANE Select); coding-DNA position 965, C replaced by A.
Protein change: p.Ala322Glu; replaces alanine 322 with glutamic acid.
Molecular consequence: missense variant.
Genome position (GRCh38, 1-based): chr2:26,282,876, C>A. VCF-style: chr2-26282876-C-A. GRCh37 (hg19) VCF-style: chr2-26505744-C-A.
Other names: c.920C>A, p.Ala307Glu (NM_001281512.2); c.899C>A, p.Ala300Glu (NM_001281513.2); short protein forms A307E, A300E, A322E.
Identifiers: ClinVar variation 2058467 (VCV002058467.4), dbSNP rs758786432, ClinGen allele CA1560399.